The following is an entry in ClinVar:

ClinVar aggregate classification (germline): Likely pathogenic (1 of 4 stars; one submission).

Conditions:
Aortic aneurysm, familial thoracic 7 (AAT7). Also called: AORTIC DISSECTION, FAMILIAL, WITH OR WITHOUT AORTIC ANEURYSM. Identifiers: MedGen C3151077, MONDO:0013418, OMIM 613780.

Submission:

Labcorp Genetics (formerly Invitae), Labcorp
Classification: Likely pathogenic for Aortic aneurysm, familial thoracic 7. Last evaluated: 2019-07-22. Review status: criteria provided, single submitter. Criteria: Invitae Variant Classification Sherloc (09022015). Collection method: clinical testing. Allele origin: germline.
Comment: This variant has not been reported in the literature in individuals with MYLK-related conditions. This sequence change affects an acceptor splice site in intron 22 of the MYLK gene. It is expected to disrupt RNA splicing and likely results in an absent or disrupted protein product. This variant is not present in population databases (ExAC no frequency). In summary, the currently available evidence indicates that the variant is pathogenic, but additional data are needed to prove that conclusively. Therefore, this variant has been classified as Likely Pathogenic. This variant occurs within the aortic-specific isoform of MYLK. Loss-of-function variants in the aortic-specific isoform of MYLK are known to be pathogenic for thoracic aortic dissections (PMID: 21055718).

Literature cited by the submitters: PubMed 21055718.

NM_053025.4(MYLK):c.3832-2A>G

Gene: MYLK (myosin light chain kinase; minus strand). Cytogenetic location: 3q21.1.
Variant type: single nucleotide variant.
Coding change: c.3832-2A>G on transcript NM_053025.4 (MANE Select); the canonical splice acceptor site of the intron before coding-DNA position 3832, A replaced by G.
Molecular consequence: splice acceptor variant.
Genome position (GRCh38, 1-based): chr3:123,664,260, T>C on the plus strand (A>G on the coding strand, the complement: MYLK is on the minus strand). VCF-style: chr3-123664260-T-C. GRCh37 (hg19) VCF-style: chr3-123383107-T-C.
Other names: c.3304-2A>G (NM_001321309.2); c.3625-2A>G (NM_053028.4, NM_053026.4); c.3832-2A>G (NM_053027.4).
Identifiers: ClinVar variation 962269 (VCV000962269.10), dbSNP rs2059661877, ClinGen allele CA354229695.